The following is an entry in ClinVar:

ClinVar aggregate classification (germline): Uncertain significance (1 of 4 stars; one submission).

Conditions:
Genitopatellar syndrome (GTPTS). Also called: Genitopatellar syndrome (GPS); ABSENT PATELLAE, SCROTAL HYPOPLASIA, RENAL ANOMALIES, FACIAL DYSMORPHISM, AND MENTAL RETARDATION. Identifiers: Orphanet 85201, MedGen C1853566, MONDO:0011640, OMIM 606170.

Submission:

Labcorp Genetics (formerly Invitae), Labcorp
Classification: Uncertain significance for Genitopatellar syndrome. Last evaluated: 2023-04-26. Review status: criteria provided, single submitter. Criteria: Invitae Variant Classification Sherloc (09022015). Collection method: clinical testing. Allele origin: germline.
Comment: In summary, the available evidence is currently insufficient to determine the role of this variant in disease. Therefore, it has been classified as a Variant of Uncertain Significance. Algorithms developed to predict the effect of missense changes on protein structure and function output the following: SIFT: "Not Available"; PolyPhen-2: "Benign"; Align-GVGD: "Not Available". The serine amino acid residue is found in multiple mammalian species, which suggests that this missense change does not adversely affect protein function. This variant has not been reported in the literature in individuals affected with KAT6B-related conditions. This variant is not present in population databases (gnomAD no frequency). This sequence change replaces cysteine, which is neutral and slightly polar, with serine, which is neutral and polar, at codon 526 of the KAT6B protein (p.Cys526Ser).

NM_012330.4(KAT6B):c.1576T>A (p.Cys526Ser)

Gene: KAT6B (lysine acetyltransferase 6B; plus strand). Cytogenetic location: 10q22.2.
Variant type: single nucleotide variant.
Coding change: c.1576T>A on transcript NM_012330.4 (MANE Select); coding-DNA position 1576, T replaced by A.
Protein change: p.Cys526Ser; replaces cysteine 526 with serine.
Molecular consequence: missense variant. On other transcripts: intron variant (13).
Genome position (GRCh38, 1-based): chr10:74,975,913, T>A. VCF-style: chr10-74975913-T-A. GRCh37 (hg19) VCF-style: chr10-76735671-T-A.
Other names: c.1576T>A, p.Cys526Ser (NM_001370136.1, NM_001370137.1); c.1117+459T>A (NM_001370139.1, NM_001370140.1, NM_001370141.1 and 3 more transcripts); c.1444+132T>A (NM_001370138.1, NM_001256468.2); c.846+6138T>A (NM_001370133.1); c.193-3311T>A (NM_001370134.1); c.929-1403T>A (NM_001370143.1, NM_001370144.1); c.193-13106T>A (NM_001370135.1); short protein forms C526S.
Identifiers: ClinVar variation 2859290 (VCV002859290.3), dbSNP rs2548954856, ClinGen allele CA377287177.